The following is an entry in ClinVar:

NM_001267550.2(TTN):c.64897C>T (p.Arg21633Trp)

Genes: TTN-AS1 (TTN antisense RNA 1; plus strand), TTN (titin; minus strand). Cytogenetic location: 2q31.2.
Variant type: single nucleotide variant.
Coding change: c.64897C>T on transcript NM_001267550.2 (MANE Select); coding-DNA position 64897, C replaced by T.
Protein change: p.Arg21633Trp; replaces arginine 21633 with tryptophan.
Molecular consequence: missense variant. On other transcripts: non-coding transcript variant (1).
Genome position (GRCh38, 1-based): chr2:178,584,744, G>A on the plus strand (C>T on the coding strand, the complement: TTN is on the minus strand). VCF-style: chr2-178584744-G-A. GRCh37 (hg19) VCF-style: chr2-179449471-G-A.
Other names: c.59974C>T, p.Arg19992Trp (NM_001256850.1); c.37702C>T, p.Arg12568Trp (NM_003319.4); c.57193C>T, p.Arg19065Trp (NM_133378.4); c.38077C>T, p.Arg12693Trp (NM_133432.3); c.38278C>T, p.Arg12760Trp (NM_133437.4); short protein forms R21633W, R12568W, R12693W, R12760W, R19065W, R19992W.
Identifiers: ClinVar variation 467373 (VCV000467373.7), dbSNP rs749576292, ClinGen allele CA1991821.

ClinVar aggregate classification (germline): Uncertain significance. Review status: criteria provided, multiple submitters, no conflicts (2 of 4 stars). 3 submissions from 3 submitters: Uncertain significance (3). Last evaluated 2026-08-24.

Conditions:
Cardiovascular phenotype. Identifiers: MedGen CN230736.
Autosomal recessive limb-girdle muscular dystrophy type 2J (LGMDR10). Also called: Limb-girdle muscular dystrophy, type 2J; MUSCULAR DYSTROPHY, LIMB-GIRDLE, AUTOSOMAL RECESSIVE 10. Identifiers: Orphanet 140922, MedGen C1837342, MONDO:0012127, OMIM 608807.
Dilated cardiomyopathy 1G (CMD1G). Identifiers: Orphanet 154, MedGen C1858763, MONDO:0011400, OMIM 604145.
TTN-related disorder. Also called: TTN-related condition; TTN-related disease; TTN-related disorders.

Allele frequency attached by ClinVar (database versions not stated): gnomAD exomes below 0.00001 and 0.00001; ExAC 0.00001; gnomAD 0.00001; TOPMed 0.00001.
gnomAD v4.1: 10 of 1,613,328 alleles (0.00062%); highest among the groups gnomAD compares: African/African-American, 0.0013%; no homozygotes.

Submissions (3):

PreventionGenetics, part of Exact Sciences
Classification: Uncertain significance for TTN-related condition. Last evaluated: 2026-08-24. Review status: criteria provided, single submitter. Criteria: ACMG Guidelines, 2015. Collection method: clinical testing. Allele origin: germline.
Comment: The TTN c.64897C>T variant is predicted to result in the amino acid substitution p.Arg21633Trp. To our knowledge, this variant has not been reported in association with TTN-related disorders in the literature. This variant is reported in 0.0041% of alleles in individuals of African descent in gnomAD. At this time, the clinical significance of this variant is uncertain due to the absence of conclusive functional and genetic evidence.

Ambry Genetics
Classification: Uncertain significance for Cardiovascular phenotype. Last evaluated: 2020-07-24. Review status: criteria provided, single submitter. Criteria: Ambry Variant Classification Scheme 2023. Collection method: clinical testing. Allele origin: germline.
Comment: The p.R12568W variant (also known as c.37702C>T), located in coding exon 137 of the TTN gene, results from a C to T substitution at nucleotide position 37702. The arginine at codon 12568 is replaced by tryptophan, an amino acid with dissimilar properties. This amino acid position is highly conserved in available vertebrate species. In addition, the in silico prediction for this alteration is inconclusive. Since supporting evidence is limited at this time, the clinical significance of this alteration remains unclear.

Labcorp Genetics (formerly Invitae), Labcorp
Classification: Uncertain significance for Dilated cardiomyopathy 1G; Autosomal recessive limb-girdle muscular dystrophy type 2J. Last evaluated: 2017-03-23. Review status: criteria provided, single submitter. Criteria: Invitae Variant Classification Sherloc (09022015). Collection method: clinical testing. Allele origin: germline.